The following is an entry in ClinVar:

ClinVar aggregate classification (germline): Uncertain significance (1 of 4 stars; one submission).

Conditions:
Hereditary spastic paraplegia 28. Also called: Spastic paraplegia 28, autosomal recessive. Identifiers: Orphanet 101008, MedGen C1836295, MONDO:0012256, OMIM 609340.

Submission:

Labcorp Genetics (formerly Invitae), Labcorp
Classification: Uncertain significance for Hereditary spastic paraplegia 28. Last evaluated: 2022-05-30. Review status: criteria provided, single submitter. Criteria: Invitae Variant Classification Sherloc (09022015). Collection method: clinical testing. Allele origin: germline.
Comment: A copy number gain of the genomic region encompassing the full coding sequence of the DDHD1 gene has been identified. The boundaries of this event are unknown as they extend beyond the assayed region for this gene and therefore may encompass additional genes. As the precise location of this event is unknown, it may be in tandem or it may be located elsewhere in the genome. This variant has not been reported in the literature in individuals affected with DDHD1-related conditions. In summary, the available evidence is currently insufficient to determine the role of this variant in disease. Therefore, it has been classified as a Variant of Uncertain Significance.

NC_000014.8:g.(?_53513486)_(54418940_?)dup

Genes: BMP4 (bone morphogenetic protein 4; minus strand), DDHD1 (DDHD domain containing 1; minus strand). Cytogenetic location: 14q22.1-22.2.
Variant type: Duplication.
Identifiers: ClinVar variation 2423893 (VCV002423893.3).